The following is an entry in ClinVar:

NM_032790.4(ORAI1):c.116C>T (p.Pro39Leu)

Genes: ORAI1 (ORAI calcium release-activated calcium modulator 1; plus strand), LOC130008987 (ATAC-STARR-seq lymphoblastoid silent region 4981; plus strand). Cytogenetic location: 12q24.31.
Variant type: single nucleotide variant.
Coding change: c.116C>T on transcript NM_032790.4 (MANE Select); coding-DNA position 116, C replaced by T.
Protein change: p.Pro39Leu; replaces proline 39 with leucine.
Molecular consequence: missense variant. On other transcripts: non-coding transcript variant (1).
Genome position (GRCh38, 1-based): chr12:121,626,858, C>T. VCF-style: chr12-121626858-C-T. GRCh37 (hg19) VCF-style: chr12-122064763-C-T.
Other names: short protein forms P39L.
Identifiers: ClinVar variation 2928927 (VCV002928927.3), dbSNP rs2136841602, ClinGen allele CA386980593.
Genomic context (GRCh38, chr12:121,626,858, plus strand): 5'-GCGGCGGCAGCACCACCAGCGGCAGCCGCCGGAGCCGCCGCCGCAGCGGGGACGGGGAGC[C>T]CCCGGGGGCCCCGCCCCGCCACCGCCGCCGTCCGCCGTCACCTACCCGGACTGGATCGGC-3'
Protein context (NP_116179.2, residues 29-49): RSRRRSGDGE[Pro39Leu]PGAPPPPPSA

ClinVar aggregate classification (germline): Uncertain significance (1 of 4 stars; one submission).

Conditions:
Combined immunodeficiency due to ORAI1 deficiency. Also called: IMMUNODEFICIENCY 9. Identifiers: Orphanet 169090, Orphanet 317428, MedGen C2748568, MONDO:0013007, OMIM 612782.
Myopathy, tubular aggregate, 2 (TAM2). Identifiers: MedGen C4014557, MONDO:0014383, OMIM 615883.

Submission:

Labcorp Genetics (formerly Invitae), Labcorp
Classification: Uncertain significance for Myopathy, tubular aggregate, 2; Combined immunodeficiency due to ORAI1 deficiency. Last evaluated: 2024-01-29. Review status: criteria provided, single submitter. Criteria: Invitae Variant Classification Sherloc (09022015). Collection method: clinical testing. Allele origin: germline.
Comment: This sequence change replaces proline, which is neutral and non-polar, with leucine, which is neutral and non-polar, at codon 39 of the ORAI1 protein (p.Pro39Leu). This variant is not present in population databases (gnomAD no frequency). This variant has not been reported in the literature in individuals affected with ORAI1-related conditions. Experimental studies and prediction algorithms are not available or were not evaluated, and the functional significance of this variant is currently unknown. In summary, the available evidence is currently insufficient to determine the role of this variant in disease. Therefore, it has been classified as a Variant of Uncertain Significance.